The following is an entry in ClinVar:

NM_022436.3(ABCG5):c.403-2A>T

Gene: ABCG5 (ATP binding cassette subfamily G member 5; minus strand). Cytogenetic location: 2p21.
Variant type: single nucleotide variant.
Coding change: c.403-2A>T on transcript NM_022436.3 (MANE Select); the canonical splice acceptor site of the intron before coding-DNA position 403, A replaced by T.
Molecular consequence: splice acceptor variant.
Genome position (GRCh38, 1-based): chr2:43,831,869, T>A on the plus strand (A>T on the coding strand, the complement: ABCG5 is on the minus strand). VCF-style: chr2-43831869-T-A. GRCh37 (hg19) VCF-style: chr2-44059008-T-A.
Identifiers: ClinVar variation 3655894 (VCV003655894.2).
Genomic context (GRCh38, chr2:43,831,869, plus strand): 5'-AGCAGCGCGGTGTAGTGCAGCGTCTCGCGCACGGTGAGGCTGCTCAGCAGGGTGTCGCTC[T>A]GCAGGAGACTCGGGCGTCAGTGTAGCCTAAGCCCCCGGGGCGGGCGGGGGGGCCAGGGGT-3'

ClinVar aggregate classification (germline): Likely pathogenic (1 of 4 stars; one submission).

Conditions:
Sitosterolemia (STSL). Also called: PHYTOSTEROLEMIA. Identifiers: Orphanet 2882, MedGen C0342907, MONDO:0008863.

Submission:

Labcorp Genetics (formerly Invitae), Labcorp
Classification: Likely pathogenic for Sitosterolemia. Last evaluated: 2024-06-10. Review status: criteria provided, single submitter. Criteria: Invitae Variant Classification Sherloc (09022015). Collection method: clinical testing. Allele origin: germline.
Comment: This sequence change affects an acceptor splice site in intron 3 of the ABCG5 gene. It is expected to disrupt RNA splicing. Variants that disrupt the donor or acceptor splice site typically lead to a loss of protein function (PMID: 16199547), and loss-of-function variants in ABCG5 are known to be pathogenic (PMID: 11138003, 25665839). This variant is not present in population databases (gnomAD no frequency). This variant has not been reported in the literature in individuals affected with ABCG5-related conditions. Algorithms developed to predict the effect of sequence changes on RNA splicing suggest that this variant may disrupt the consensus splice site. In summary, the currently available evidence indicates that the variant is pathogenic, but additional data are needed to prove that conclusively. Therefore, this variant has been classified as Likely Pathogenic.

Literature cited by the submitters: PubMed 16199547; PubMed 11138003; PubMed 25665839.